The following is an entry in ClinVar:

NM_173685.4(NSMCE2):c.622G>A (p.Ala208Thr)

Gene: NSMCE2 (NSE2 SUMO ligase component of SMC5/6 complex; plus strand). Cytogenetic location: 8q24.13.
Variant type: single nucleotide variant.
Coding change: c.622G>A on transcript NM_173685.4 (MANE Select); coding-DNA position 622, G replaced by A.
Protein change: p.Ala208Thr; replaces alanine 208 with threonine.
Molecular consequence: missense variant. On other transcripts: non-coding transcript variant (1).
Genome position (GRCh38, 1-based): chr8:125,357,814, G>A. VCF-style: chr8-125357814-G-A. GRCh37 (hg19) VCF-style: chr8-126370056-G-A.
Other names: c.622G>A, p.Ala208Thr (NM_001349485.2, NM_001349486.2); short protein forms A208T.
Identifiers: ClinVar variation 1926528 (VCV001926528.5), dbSNP rs1380066503, ClinGen allele CA372271137.

ClinVar aggregate classification (germline): Uncertain significance (1 of 4 stars; one submission).

Allele frequency attached by ClinVar (database versions not stated): TOPMed below 0.00001; gnomAD 0.00001.
gnomAD v4.1: 2 of 1,610,298 alleles (0.00012%); highest among the groups gnomAD compares: African/African-American, 0.0013%; no homozygotes.

Submission:

Labcorp Genetics (formerly Invitae), Labcorp
Classification: Uncertain significance. Last evaluated: 2022-07-01. Review status: criteria provided, single submitter. Criteria: Invitae Variant Classification Sherloc (09022015). Collection method: clinical testing. Allele origin: germline.
Comment: In summary, the available evidence is currently insufficient to determine the role of this variant in disease. Therefore, it has been classified as a Variant of Uncertain Significance. Algorithms developed to predict the effect of missense changes on protein structure and function (SIFT, PolyPhen-2, Align-GVGD) all suggest that this variant is likely to be tolerated. This variant has not been reported in the literature in individuals affected with NSMCE2-related conditions. This variant is not present in population databases (gnomAD no frequency). This sequence change replaces alanine, which is neutral and non-polar, with threonine, which is neutral and polar, at codon 208 of the NSMCE2 protein (p.Ala208Thr).